The following is an entry in ClinVar:

ClinVar aggregate classification (germline): Uncertain significance. Review status: criteria provided, multiple submitters, no conflicts (2 of 4 stars). 2 submissions from 2 submitters: Uncertain significance (2). Last evaluated 2024-07-26.

Conditions:
Familial temporal lobe epilepsy 7. Identifiers: Orphanet 101046, MedGen C4225327, MONDO:0014639, OMIM 616436.
Norman-Roberts syndrome (LIS2). Also called: Lissencephaly 2 (Norman-Roberts type). Identifiers: Orphanet 89844, MedGen C0796089, MONDO:0009760, OMIM 257320.
Inborn genetic diseases. Identifiers: MedGen C0950123, MeSH D030342.

Allele frequency attached by ClinVar (database versions not stated): gnomAD 0.00001; gnomAD exomes 0.00001; TOPMed 0.00001; ExAC 0.00002.
gnomAD v4.1: 8 of 1,610,482 alleles (0.0005%); highest among the groups gnomAD compares: Admixed American, 0.0017%; no homozygotes.

Submissions (2):

Ambry Genetics
Classification: Uncertain significance for Inborn genetic diseases. Last evaluated: 2024-07-26. Review status: criteria provided, single submitter. Criteria: Ambry Variant Classification Scheme 2023. Collection method: clinical testing. Allele origin: germline.

Labcorp Genetics (formerly Invitae), Labcorp
Classification: Uncertain significance for Familial temporal lobe epilepsy 7; Norman-Roberts syndrome. Last evaluated: 2024-02-17. Review status: criteria provided, single submitter. Criteria: Invitae Variant Classification Sherloc (09022015). Collection method: clinical testing. Allele origin: germline.
Comment: This sequence change replaces threonine, which is neutral and polar, with alanine, which is neutral and non-polar, at codon 636 of the RELN protein (p.Thr636Ala). This variant is present in population databases (rs756344611, gnomAD 0.003%). This variant has not been reported in the literature in individuals affected with RELN-related conditions. ClinVar contains an entry for this variant (Variation ID: 576685). Advanced modeling of protein sequence and biophysical properties (such as structural, functional, and spatial information, amino acid conservation, physicochemical variation, residue mobility, and thermodynamic stability) performed at Invitae indicates that this missense variant is not expected to disrupt RELN protein function with a negative predictive value of 80%. In summary, the available evidence is currently insufficient to determine the role of this variant in disease. Therefore, it has been classified as a Variant of Uncertain Significance.

NM_005045.4(RELN):c.1906A>G (p.Thr636Ala)

Gene: RELN (reelin; minus strand). Cytogenetic location: 7q22.1.
Variant type: single nucleotide variant.
Coding change: c.1906A>G on transcript NM_005045.4 (MANE Select); coding-DNA position 1906, A replaced by G.
Protein change: p.Thr636Ala; replaces threonine 636 with alanine.
Molecular consequence: missense variant.
Genome position (GRCh38, 1-based): chr7:103,650,370, T>C on the plus strand (A>G on the coding strand, the complement: RELN is on the minus strand). VCF-style: chr7-103650370-T-C. GRCh37 (hg19) VCF-style: chr7-103290817-T-C.
Other names: c.1906A>G, p.Thr636Ala (NM_173054.3); short protein forms T636A.
Identifiers: ClinVar variation 576685 (VCV000576685.11), dbSNP rs756344611, ClinGen allele CA4422138.